The following is an entry in ClinVar:

ClinVar aggregate classification (germline): Benign/Likely benign. Review status: criteria provided, multiple submitters, no conflicts (2 of 4 stars). 9 submissions from 7 submitters: Benign (8); Likely benign (1). Last evaluated 2026-02-04.

Conditions:
Complement component 3 deficiency. Identifiers: Orphanet 280133, MedGen C3151071, MONDO:0013417, OMIM 613779.
Atypical hemolytic-uremic syndrome with C3 anomaly. Also called: AHUS, SUSCEPTIBILITY TO, 5. Identifiers: Orphanet 2134, MedGen C2752037, MONDO:0013043, OMIM 612925.
Age related macular degeneration 9. Identifiers: MedGen C1969651, MONDO:0012659, OMIM 611378.

Allele frequency attached by ClinVar (database versions not stated): gnomAD exomes 0.06270 and 0.06753; ExAC 0.06500; 1000 Genomes Project 30x 0.06543; 1000 Genomes Project 0.06569; ESP Exome Variant Server 0.06905; gnomAD 0.06923 and 0.06993; TOPMed 0.07049.

Submissions (9):

Labcorp Genetics (formerly Invitae), Labcorp
Classification: Benign. Last evaluated: 2026-02-04. Review status: criteria provided, single submitter. Criteria: Invitae Variant Classification Sherloc (09022015). Collection method: clinical testing. Allele origin: germline.

Women's Health and Genetics/Laboratory Corporation of America, LabCorp
Classification: Benign. Last evaluated: 2026-01-21. Review status: criteria provided, single submitter. Criteria: LabCorp Variant Classification Summary - May 2015. Collection method: clinical testing. Allele origin: germline.

Blueprint Genetics
Classification: Likely benign. Last evaluated: 2024-11-28. Review status: criteria provided, single submitter. Criteria: ACMG Guidelines, 2015. Collection method: clinical testing. Allele origin: germline.

Mayo Clinic Laboratories, Mayo Clinic
Classification: Benign. Last evaluated: 2022-03-10. Review status: criteria provided, single submitter. Criteria: ACMG Guidelines, 2015. Collection method: clinical testing. Allele origin: germline. Observed: 451 variant alleles.

GeneDx
Classification: Benign. Last evaluated: 2019-05-24. Review status: criteria provided, single submitter. Criteria: GeneDx Variant Classification Process June 2021. Collection method: clinical testing. Allele origin: germline. Affected: yes.

Illumina Laboratory Services, Illumina
Classification: Benign for Atypical hemolytic-uremic syndrome with C3 anomaly. Last evaluated: 2018-01-12. Review status: criteria provided, single submitter. Criteria: ICSL Variant Classification Criteria 13 December 2019. Collection method: clinical testing. Allele origin: germline.
Comment: This variant was observed in the ICSL laboratory as part of a predisposition screen in an ostensibly healthy population. It had not been previously curated by ICSL or reported in the Human Gene Mutation Database (HGMD: prior to June 1st, 2018), and was therefore a candidate for classification through an automated scoring system. Utilizing variant allele frequency, disease prevalence and penetrance estimates, and inheritance mode, an automated score was calculated to assess if this variant is too frequent to cause the disease. Based on the score and internal cut-off values, a variant classified as benign is not then subjected to further curation. The score for this variant resulted in a classification of benign for this disease.

Illumina Laboratory Services, Illumina
Classification: Benign for Complement component 3 deficiency. Last evaluated: 2018-01-12. Review status: criteria provided, single submitter. Criteria: ICSL Variant Classification Criteria 13 December 2019. Collection method: clinical testing. Allele origin: germline.
Comment: the same text as in the submission from Illumina Laboratory Services, Illumina above.

Illumina Laboratory Services, Illumina
Classification: Benign for Age related macular degeneration 9. Last evaluated: 2018-01-12. Review status: criteria provided, single submitter. Criteria: ICSL Variant Classification Criteria 13 December 2019. Collection method: clinical testing. Allele origin: germline.
Comment: the same text as in the submission from Illumina Laboratory Services, Illumina above.

Breakthrough Genomics
Classification: Benign. Review status: criteria provided, single submitter. Criteria: ACMG Guidelines, 2015. Collection method: not provided. Allele origin: germline. Inheritance: Autosomal recessive inheritance. Affected: yes.

NM_000064.4(C3):c.4631-8C>T

Gene: C3 (complement C3; minus strand). Cytogenetic location: 19p13.3.
Variant type: single nucleotide variant.
Coding change: c.4631-8C>T on transcript NM_000064.4 (MANE Select); 8 bases into the intron before coding-DNA position 4631, C replaced by T.
Molecular consequence: intron variant.
Genome position (GRCh38, 1-based): chr19:6,678,463, G>A on the plus strand (C>T on the coding strand, the complement: C3 is on the minus strand). VCF-style: chr19-6678463-G-A. GRCh37 (hg19) VCF-style: chr19-6678474-G-A.
Other names: p.?; c.4631-8C>T (LRG_27t1).
Identifiers: ClinVar variation 330279 (VCV000330279.18), dbSNP rs11569565, ClinGen allele CA9128312.